The following is an entry in ClinVar:

ClinVar aggregate classification (germline): Uncertain significance (1 of 4 stars; one submission).

Allele frequency attached by ClinVar (database versions not stated): gnomAD exomes below 0.00001; gnomAD 0.00002; TOPMed 0.00003.
gnomAD v4.1: 4 of 1,552,574 alleles (0.00026%); highest among the groups gnomAD compares: African/African-American, 0.0041%; no homozygotes.

Submission:

GeneDx
Classification: Uncertain significance. Last evaluated: 2022-01-31. Review status: criteria provided, single submitter. Criteria: GeneDx Variant Classification Process June 2021. Collection method: clinical testing. Allele origin: germline. Affected: yes.
Comment: Not observed at significant frequency in large population cohorts (gnomAD); In silico analysis supports that this missense variant does not alter protein structure/function; Has not been previously published as pathogenic or benign to our knowledge

NM_021096.4(CACNA1I):c.1616T>C (p.Val539Ala)

Gene: CACNA1I (calcium voltage-gated channel subunit alpha1 I; plus strand). Cytogenetic location: 22q13.1.
Variant type: single nucleotide variant.
Coding change: c.1616T>C on transcript NM_021096.4 (MANE Select); coding-DNA position 1616, T replaced by C.
Protein change: p.Val539Ala; replaces valine 539 with alanine.
Molecular consequence: missense variant.
Genome position (GRCh38, 1-based): chr22:39,649,549, T>C. VCF-style: chr22-39649549-T-C. GRCh37 (hg19) VCF-style: chr22-40045554-T-C.
Other names: c.1511T>C, p.Val504Ala (NM_001003406.2); short protein forms V504A, V539A.
Identifiers: ClinVar variation 1699799 (VCV001699799.2), dbSNP rs952792829, ClinGen allele CA324452168.